The following is an entry in ClinVar:

ClinVar aggregate classification (germline): Likely pathogenic (1 of 4 stars; one submission).

Conditions:
APOA5-related disorder. Also called: APOA5-related condition.

Submission:

PreventionGenetics, part of Exact Sciences
Classification: Likely pathogenic for APOA5-related condition. Last evaluated: 2026-02-24. Review status: criteria provided, single submitter. Criteria: ACMG Guidelines, 2015. Collection method: clinical testing. Allele origin: germline.
Comment: The APOA5 c.322C>T variant is predicted to result in premature protein termination (p.Gln108*). To our knowledge, this variant has not been reported in the literature. This variant is reported in 0.00089% of alleles in individuals of European (Non-Finnish) descent in gnomAD. Nonsense variants in APOA5 are expected to be pathogenic. This variant is interpreted as likely pathogenic.

NM_001371904.1(APOA5):c.322C>T (p.Gln108Ter)

Gene: APOA5 (apolipoprotein A5; minus strand). Cytogenetic location: 11q23.3.
Variant type: single nucleotide variant.
Coding change: c.322C>T on transcript NM_001371904.1 (MANE Select); coding-DNA position 322, C replaced by T.
Protein change: p.Gln108Ter; replaces glutamine 108 with a stop codon.
Molecular consequence: nonsense.
Genome position (GRCh38, 1-based): chr11:116,790,907, G>A on the plus strand (C>T on the coding strand, the complement: APOA5 is on the minus strand). VCF-style: chr11-116790907-G-A. GRCh37 (hg19) VCF-style: chr11-116661623-G-A.
Other names: c.322C>T, p.Gln108Ter (NM_001166598.2, NM_052968.5); short protein forms Q108*.
Identifiers: ClinVar variation 4988536 (VCV004988536.1).